The following is an entry in ClinVar:

NM_007294.4(BRCA1):c.212G>T (p.Arg71Met)

Gene: BRCA1 (BRCA1 DNA repair associated; minus strand). Cytogenetic location: 17q21.31.
Variant type: single nucleotide variant.
Coding change: c.212G>T on transcript NM_007294.4 (MANE Select); coding-DNA position 212, G replaced by T.
Protein change: p.Arg71Met; replaces arginine 71 with methionine.
Molecular consequence: missense variant.
Genome position (GRCh38, 1-based): chr17:43,106,456, C>A on the plus strand (G>T on the coding strand, the complement: BRCA1 is on the minus strand). VCF-style: chr17-43106456-C-A. GRCh37 (hg19) VCF-style: chr17-41258473-C-A.
Other names: c.212G>T, p.Arg71Met (NM_001407581.1, NM_001407582.1, NM_001407583.1 and 168 more transcripts); c.71G>T, p.Arg24Met (NM_001407692.1, NM_001407694.1, NM_001407695.1 and 99 more transcripts); short protein forms R71M, R24M.
Identifiers: ClinVar variation 185705 (VCV000185705.17), dbSNP rs80356913, ClinGen allele CA001421.
Genomic context (GRCh38, chr17:43,106,456, plus strand): 5'-AATTTCTACTTTTTCCTACTGTGGTTGCTTCCAACCTAGCATCATTACCAAATTATATAC[C>A]TTTTGGTTATATCATTCTTACATAAAGGACACTGTGAAGGCCCTTTCTTCTGGTTGAGAA-3'
Protein context (NP_009225.1, residues 61-81): CPLCKNDITK[Arg71Met]SLQESTRFSQ

ClinVar aggregate classification (germline): Pathogenic/Likely pathogenic. Review status: criteria provided, multiple submitters, no conflicts (2 of 4 stars). 4 submissions from 4 submitters: Pathogenic (1); Likely pathogenic (2). 1 of the submissions does not count toward it. Last evaluated 2026-02-02.

Conditions:
Hereditary breast ovarian cancer syndrome. Also called: Hereditary breast and ovarian cancer syndrome; Hereditary breast and ovarian cancer syndrome (HBOC); BRCA1- and BRCA2-Associated Hereditary Breast and Ovarian Cancer; Breast and ovarian cancer; Hereditary breast and ovarian cancer; Hereditary breast and/or ovarian cancer syndrome. Identifiers: Orphanet 145, MedGen C0677776, MeSH D061325, MONDO:0003582. Disease mechanism: loss of function.
Hereditary cancer-predisposing syndrome. Also called: Hereditary Cancer Syndrome; Hereditary neoplastic syndrome; Tumor predisposition; Neoplastic Syndromes, Hereditary. Identifiers: Orphanet 140162, MedGen C0027672, MeSH D009386, MONDO:0015356.
Breast-ovarian cancer, familial, susceptibility to, 1 (BROVCA1). Also called: OVARIAN CANCER, SUSCEPTIBILITY TO; BRCA1 Hereditary Breast and Ovarian Cancer. Identifiers: Orphanet 145, MedGen C2676676, MONDO:0011450, OMIM 604370. Disease mechanism: loss of function.

Submissions (5):

Ambry Genetics
Classification: Likely pathogenic for Hereditary cancer-predisposing syndrome. Last evaluated: 2026-02-02. Review status: criteria provided, single submitter. Criteria: Ambry Variant Classification Scheme 2023. Collection method: clinical testing. Allele origin: germline.
Comment: The c.212G>T variant (also known as p.R71M), located in coding exon 3 of the BRCA1 gene, results from a G to T substitution at nucleotide position 212. The amino acid change results in arginine to methionine at codon 71, an amino acid with similar properties. However, this change occurs in the last base pair of coding exon 3, which makes it likely to have some effect on normal mRNA splicing. One functional study found that this nucleotide substitution is non-functional in a high throughput genome editing haploid cell survival assay (Findlay GM et al. Nature, 2018 Oct;562:217-222). RNA studies have reported that this variant results in abnormal splicing in the set of samples tested (Wai HA et al. Genet Med, 2020 Jun;22:1005-1014; Rowlands C et al. Sci Rep, 2021 Oct;11:20607). This nucleotide position is highly conserved in available vertebrate species. In silico splice site analysis predicts that this alteration will weaken the native splice donor site; however, direct evidence is insufficient at this time (Ambry internal data). This variant is considered to be rare based on population cohorts in the Genome Aggregation Database (gnomAD). Based on the majority of available evidence to date, this variant is likely to be pathogenic.

Labcorp Genetics (formerly Invitae), Labcorp
Classification: Likely pathogenic for Hereditary breast ovarian cancer syndrome. Last evaluated: 2024-10-18. Review status: criteria provided, single submitter. Criteria: Invitae Variant Classification Sherloc (09022015). Collection method: clinical testing. Allele origin: germline.
Comment: This sequence change affects codon 71 of the BRCA1 mRNA. It is a 'silent' change, meaning that it does not change the encoded amino acid sequence of the BRCA1 protein. This variant also falls at the last nucleotide of exon 4, which is part of the consensus splice site for this exon. This variant is not present in population databases (gnomAD no frequency). This variant has been observed in individual(s) with clinical features of BRCA1-related conditions (PMID: 22984553). ClinVar contains an entry for this variant (Variation ID: 185705). An algorithm developed to predict the effect of missense changes on protein structure and function (PolyPhen-2) suggests that this variant is likely to be disruptive. Experimental studies have shown that this variant affects BRCA1 function (PMID: 30209399). Variants that disrupt the consensus splice site are a relatively common cause of aberrant splicing (PMID: 17576681, 9536098). Algorithms developed to predict the effect of sequence changes on RNA splicing suggest that this variant may disrupt the consensus splice site. This variant disrupts the c.212G nucleotide in the BRCA1 gene. Other variant(s) that disrupt this nucleotide have been determined to be pathogenic (PMID: 11802209, 21863257, 22505045, 23451180, 29752822). This suggests that this nucleotide is clinically significant, and that variants that disrupt this position are likely to be disease-causing. In summary, the currently available evidence indicates that the variant is pathogenic, but additional data are needed to prove that conclusively. Therefore, this variant has been classified as Likely Pathogenic.

Consortium of Investigators of Modifiers of BRCA1/2 (CIMBA), c/o University of Cambridge
Classification: Pathogenic for Breast-ovarian cancer, familial, susceptibility to, 1. Last evaluated: 2015-10-02. Review status: criteria provided, single submitter. Criteria: CIMBA Mutation Classification guidelines May 2016. Collection method: clinical testing. Allele origin: germline.

Research Molecular Genetics Laboratory, Women's College Hospital, University of Toronto
Classification: Uncertain significance. Last evaluated: 2014-01-31. Review status: no assertion criteria provided. Collection method: research. Allele origin: germline. Affected: yes. Study: The Canadian Open Genetics Repository (COGR). Not counted in ClinVar's aggregate classification.

Brotman Baty Institute, University of Washington
No classification provided (evidence only). Condition: Breast-ovarian cancer, familial 1. Review status: no classification provided. Collection method: in vitro. Allele origin: not applicable. Functional consequence: functionally_abnormal. Not counted in ClinVar's aggregate classification.
ClinVar note: "not provided" was previously submitted as the classification for the variant. However, the classification appeared to be based only on an observation of functional data so it was converted to no classification on 2025-07-30.

Literature cited by the submitters: PubMed 30209399 (cited by Ambry Genetics and Labcorp Genetics (formerly Invitae), Labcorp); PubMed 32123317 (cited by Ambry Genetics); PubMed 34663891 (cited by Ambry Genetics); PubMed 22984553 (cited by Labcorp Genetics (formerly Invitae), Labcorp); PubMed 17576681 (cited by Labcorp Genetics (formerly Invitae), Labcorp); PubMed 9536098 (cited by Labcorp Genetics (formerly Invitae), Labcorp); PubMed 11802209 (cited by Labcorp Genetics (formerly Invitae), Labcorp); PubMed 21863257 (cited by Labcorp Genetics (formerly Invitae), Labcorp); PubMed 22505045 (cited by Labcorp Genetics (formerly Invitae), Labcorp); PubMed 23451180 (cited by Labcorp Genetics (formerly Invitae), Labcorp); PubMed 29752822 (cited by Labcorp Genetics (formerly Invitae), Labcorp).